The following is an entry in ClinVar:

NM_000216.4(ANOS1):c.1948_1956del (p.Phe650_Thr652del)

Gene: ANOS1 (anosmin 1; minus strand). Cytogenetic location: Xp22.31.
Variant type: Deletion.
Coding change: c.1948_1956del on transcript NM_000216.4 (MANE Select); coding-DNA positions 1948 to 1956, 9 bases deleted (TTCCGGACG; older notation c.1948_1956delTTCCGGACG).
Protein change: p.Phe650_Thr652del.
Molecular consequence: inframe deletion.
Genome position (GRCh38, 1-based): chrX:8,534,347-8,534,355, CGTCCGGAA deleted on the plus strand (TTCCGGACG on the coding strand, the reverse complement: ANOS1 is on the minus strand); deleting any 9 consecutive bases within chrX:8,534,347-8,534,359 gives the same sequence; the c. name uses the placement nearest the transcript's 3' end. VCF-style (leftmost placement, unchanged base first): chrX-8534346-GCGTCCGGAA-G. GRCh37 (hg19) VCF-style: chrX-8502387-GCGTCCGGAA-G.
Identifiers: ClinVar variation 1705413 (VCV001705413.1), dbSNP rs2518466244, ClinGen allele CA2580102010.

ClinVar aggregate classification (germline): Uncertain significance (1 of 4 stars; one submission).

Conditions:
Hypogonadotropic hypogonadism 1 with or without anosmia (HH1). Also called: KAL1-Related GnRH Deficiency (Kallmann Syndrome 1; Kallmann Syndrome, X-Linked); Kallmann syndrome, type 1, X-linked; DYSPLASIA OLFACTOGENITALIS OF DE MORSIER; HYPOGONADOTROPIC HYPOGONADISM AND ANOSMIA; Hypogonadotropic hypogonadism 1 with or without anosmia (Kallmann syndrome 1); HYPOGONADOTROPIC HYPOGONADISM 1 WITH ANOSMIA. Identifiers: Orphanet 478, MedGen C1563719, MONDO:0010635, OMIM 308700. Disease mechanism: loss of function.

Submission:

3billion
Classification: Uncertain significance for Hypogonadotropic hypogonadism 1 with or without anosmia. Last evaluated: 2022-09-01. Review status: criteria provided, single submitter. Criteria: ACMG Guidelines, 2015. Collection method: clinical testing. Allele origin: germline. Affected: yes. Observed: 1 hemizygote.
Comment: The variant is not observed in the gnomAD v2.1.1 dataset. Inframe deletion located in a nonrepeat region is predicted to change the length of the protein and disrupt normal protein function. Therefore, this variant is classified as uncertain significance according to the recommendation of ACMG/AMP guideline.